The following is an entry in ClinVar:

NM_213653.4(HJV):c.494T>A (p.Leu165Ter)

Gene: HJV (hemojuvelin BMP co-receptor; minus strand). Cytogenetic location: 1q21.1.
Variant type: single nucleotide variant.
Coding change: c.494T>A on transcript NM_213653.4 (MANE Select); coding-DNA position 494, T replaced by A.
Protein change: p.Leu165Ter; replaces leucine 165 with a stop codon.
Molecular consequence: nonsense. On other transcripts: intron variant (3).
Genome position (GRCh38, 1-based): chr1:146,019,338, A>T on the plus strand (T>A on the coding strand, the complement: HJV is on the minus strand). VCF-style: chr1-146019338-A-T. GRCh37 (hg19) VCF-style: chr1-145415675-T-A.
Other names: c.494T>A, p.Leu165Ter (NM_001379352.1); c.155T>A, p.Leu52Ter (NM_145277.5); c.-21-638T>A (NM_213652.4); c.-22+360T>A (NM_202004.4, NM_001316767.2); short protein forms L52*, L165*.
Identifiers: ClinVar variation 1438656 (VCV001438656.8), dbSNP rs782431871, ClinGen allele CA1053834.
Genomic context (GRCh38, chr1:146,019,338, plus strand): 5'-CATGTGTGAAAGTGATGGTGGAAGCTGCGCACATGGGGGTCCCCGAAGGAAGCGCAATGC[A>T]AGAACCCCGGGGGACGACCATGCAGCCGGGAAAACCGGCCTTCATAGTCACAAGGGTCCG-3'

ClinVar aggregate classification (germline): Pathogenic (1 of 4 stars; one submission).

Allele frequency attached by ClinVar (database versions not stated): gnomAD exomes below 0.00001; ExAC 0.00001.
gnomAD v4.1: 5 of 1,613,866 alleles (0.00031%); highest among the groups gnomAD compares: Non-Finnish European, 0.00034%; no homozygotes.

Submission:

Labcorp Genetics (formerly Invitae), Labcorp
Classification: Pathogenic. Last evaluated: 2022-11-28. Review status: criteria provided, single submitter. Criteria: Invitae Variant Classification Sherloc (09022015). Collection method: clinical testing. Allele origin: germline.
Comment: This premature translational stop signal has been observed in individual(s) with hereditary hemochromatosis (PMID: 17554070, 30362946). ClinVar contains an entry for this variant (Variation ID: 1438656). For these reasons, this variant has been classified as Pathogenic. This sequence change creates a premature translational stop signal (p.Leu165*) in the HJV gene. It is expected to result in an absent or disrupted protein product. Loss-of-function variants in HJV are known to be pathogenic (PMID: 20301349, 22408404). This variant is present in population databases (rs782431871, gnomAD 0.002%).

Literature cited by the submitters: PubMed 17554070; PubMed 30362946; PubMed 20301349; PubMed 22408404.